The following is an entry in ClinVar:

ClinVar aggregate classification (germline): Uncertain significance (1 of 4 stars; one submission).

Conditions:
Leukoencephalopathy with brain stem and spinal cord involvement-high lactate syndrome (LBSL). Also called: Leukoencephalopathy with Brainstem and Spinal Cord Involvement and Lactate Elevation; MITOCHONDRIAL ASPARTYL-tRNA SYNTHETASE DEFICIENCY; LEUKOENCEPHALOPATHY WITH BRAINSTEM AND SPINAL CORD INVOLVEMENT AND LACTATE ELEVATION, MILD. Identifiers: Orphanet 137898, MedGen C1970180, MONDO:0012622, OMIM 611105.

gnomAD v4.1: 4 of 1,613,906 alleles (0.00025%); highest among the groups gnomAD compares: Non-Finnish European, 0.00034%; no homozygotes.

Submission:

Broad Center for Mendelian Genomics, Broad Institute of MIT and Harvard
Classification: Uncertain significance for Leukoencephalopathy with brain stem and spinal cord involvement-high lactate syndrome. Last evaluated: 2025-01-21. Review status: criteria provided, single submitter. Criteria: ACMG Guidelines, 2015. Collection method: curation. Allele origin: germline. Inheritance: Autosomal recessive inheritance.
Comment: The p.Leu249Ile variant in DARS2 has been reported in 2 siblings with leukoencephalopathy with brain stem and spinal cord involvement-high lactate syndrome (PMID: 20878420), and has been identified in 0.0003% (4/1179928) of European (non-Finnish) chromosomes by the Genome Aggregation Database (gnomAD; dbSNP rs1451393132). Although this variant has been seen in the general population in a heterozygous state, its frequency is low enough to be consistent with a recessive carrier frequency. Computational prediction tools and conservation analyses suggest that this variant may impact the protein, though this information is not predictive enough to determine pathogenicity. In summary, the clinical significance of the p.Leu249Ile variant is uncertain. ACMG/AMP Criteria applied: PP3_moderate, PM2_supporting (Richards 2015).

NM_018122.5(DARS2):c.745C>A (p.Leu249Ile)

Gene: DARS2 (aspartyl-tRNA synthetase 2, mitochondrial; plus strand). Cytogenetic location: 1q25.1.
Variant type: single nucleotide variant.
Coding change: c.745C>A on transcript NM_018122.5 (MANE Select); coding-DNA position 745, C replaced by A.
Protein change: p.Leu249Ile; replaces leucine 249 with isoleucine.
Molecular consequence: missense variant.
Genome position (GRCh38, 1-based): chr1:173,837,021, C>A. VCF-style: chr1-173837021-C-A. GRCh37 (hg19) VCF-style: chr1-173806159-C-A.
Other names: NM_001365213.2:c.745C>A; c.745C>A, p.Leu249Ile (NM_001365212.1, NM_001365213.2); short protein forms L249I.
Identifiers: ClinVar variation 3776817 (VCV003776817.1).